The following is an entry in ClinVar:

ClinVar aggregate classification (germline): Likely benign (0 of 4 stars; one submission).

Conditions:
TRIO-related disorder. Also called: TRIO-related disorders; TRIO-related condition.

Allele frequency attached by ClinVar (database versions not stated): gnomAD 0.00002; TOPMed 0.00002.

Submission:

PreventionGenetics, part of Exact Sciences
Classification: Likely benign for TRIO-related condition. Last evaluated: 2023-07-18. Review status: no assertion criteria provided. Collection method: clinical testing. Allele origin: germline.
Comment: This variant is classified as likely benign based on ACMG/AMP sequence variant interpretation guidelines (Richards et al. 2015 PMID: 25741868, with internal and published modifications).

NM_007118.4(TRIO):c.7146C>G (p.Ala2382=)

Gene: TRIO (trio Rho guanine nucleotide exchange factor; plus strand). Cytogenetic location: 5p15.2.
Variant type: single nucleotide variant.
Coding change: c.7146C>G on transcript NM_007118.4 (MANE Select); coding-DNA position 7146, C replaced by G.
Protein change: p.Ala2382=; no amino-acid change (alanine 2382 retained).
Molecular consequence: synonymous variant.
Genome position (GRCh38, 1-based): chr5:14,487,774, C>G. VCF-style: chr5-14487774-C-G. GRCh37 (hg19) VCF-style: chr5-14487883-C-G.
Identifiers: ClinVar variation 3061638 (VCV003061638.2), dbSNP rs1308979478, ClinGen allele CA443537367.
Genomic context (GRCh38, chr5:14,487,774, plus strand): 5'-GGCAGACAAGATGTCAGGTACGTCCACCCCCGGGCCCTCCCTGCCTCCCCCTGGCGCGGC[C>G]CCCGAGGCCGGCCCCAGCGCGCCCAGCAGGCGGCCCCCCGGCGCGGACGCCGAGGGGTCC-3'
Protein context (NP_009049.2, residues 2372-2392): PGPSLPPPGA[Ala2382=]PEAGPSAPSR